The following is an entry in ClinVar:

ClinVar aggregate classification (germline): Pathogenic (1 of 4 stars; one submission).

Conditions:
Neurofibromatosis, type 1 (NF1). Also called: Neurofibromatosis, type I; VON RECKLINGHAUSEN DISEASE; NEUROFIBROMATOSIS, TYPE I, SOMATIC; Peripheral type neurofibromatosis. Identifiers: Orphanet 636, MedGen C0027831, MONDO:0018975, OMIM 162200. Disease mechanism: loss of function.

Submission:

Labcorp Genetics (formerly Invitae), Labcorp
Classification: Pathogenic for Neurofibromatosis, type 1. Last evaluated: 2021-10-29. Review status: criteria provided, single submitter. Criteria: Invitae Variant Classification Sherloc (09022015). Collection method: clinical testing. Allele origin: germline.
Comment: For these reasons, this variant has been classified as Pathogenic. This variant has not been reported in the literature in individuals affected with NF1-related conditions. This variant is not present in population databases (gnomAD no frequency). This sequence change creates a premature translational stop signal (p.Glu2306Metfs*20) in the NF1 gene. It is expected to result in an absent or disrupted protein product. Loss-of-function variants in NF1 are known to be pathogenic (PMID: 10712197, 23913538).

Literature cited by the submitters: PubMed 10712197; PubMed 23913538.

NM_001042492.3(NF1):c.6977_6978dup (p.Glu2327fs)

Gene: NF1 (neurofibromin 1; plus strand). Cytogenetic location: 17q11.2.
Variant type: Duplication.
Coding change: c.6977_6978dup on transcript NM_001042492.3 (MANE Select); coding-DNA positions 6977 to 6978, 2 bases duplicated (AT; older notation c.6977_6978dupAT).
Protein change: p.Glu2327fs; shifts the reading frame from glutamic acid 2327.
Molecular consequence: frameshift variant.
Genome position (GRCh38, 1-based): chr17:31,340,560-31,340,561, AT duplicated. VCF-style (leftmost placement, unchanged base first): chr17-31340559-G-GAT. GRCh37 (hg19) VCF-style: chr17-29667577-G-GAT.
Other names: c.6914_6915dup, p.Glu2306Metfs (NM_000267.4); short protein forms E2306fs, E2327fs.
Identifiers: ClinVar variation 1457093 (VCV001457093.6), dbSNP rs2151561685, ClinGen allele CA2573153890.